The following is an entry in ClinVar:

ClinVar aggregate classification (germline): Uncertain significance. Review status: criteria provided, single submitter (1 of 4 stars). 2 submissions from 2 submitters: Uncertain significance (1). 1 of the submissions does not count toward it. Last evaluated 2024-04-12.

Conditions:
APC-related disorder. Also called: APC-related condition.
Hereditary cancer-predisposing syndrome. Also called: Tumor predisposition; Hereditary Cancer Syndrome; Hereditary neoplastic syndrome; Neoplastic Syndromes, Hereditary. Identifiers: Orphanet 140162, MedGen C0027672, MeSH D009386, MONDO:0015356.

Submissions (2):

Ambry Genetics
Classification: Uncertain significance for Hereditary cancer-predisposing syndrome. Last evaluated: 2024-04-12. Review status: criteria provided, single submitter. Criteria: Ambry Variant Classification Scheme 2023. Collection method: clinical testing. Allele origin: germline.
Comment: The p.Y158C variant (also known as c.473A>G), located in coding exon 4 of the APC gene, results from an A to G substitution at nucleotide position 473. The tyrosine at codon 158 is replaced by cysteine, an amino acid with highly dissimilar properties. This amino acid position is conserved. In addition, in silico predictors for this gene do not accurately predict pathogenicity. Based on the available evidence, the clinical significance of this variant remains unclear.

PreventionGenetics, part of Exact Sciences
Classification: Uncertain significance for APC-related condition. Last evaluated: 2024-09-21. Review status: no assertion criteria provided. Collection method: clinical testing. Allele origin: germline. Not counted in ClinVar's aggregate classification.
Comment: The APC c.473A>G variant is predicted to result in the amino acid substitution p.Tyr158Cys. To our knowledge, this variant has not been reported in the literature or in a large population database, indicating this variant is rare. This variant is classified as a variant of uncertain significance in ClinVar. At this time, the clinical significance of this variant is uncertain due to the absence of conclusive functional and genetic evidence.

NM_000038.6(APC):c.473A>G (p.Tyr158Cys)

Gene: APC (APC regulator of Wnt signaling pathway; plus strand). Cytogenetic location: 5q22.2.
Variant type: single nucleotide variant.
Coding change: c.473A>G on transcript NM_000038.6 (MANE Select); coding-DNA position 473, A replaced by G.
Protein change: p.Tyr158Cys; replaces tyrosine 158 with cysteine.
Molecular consequence: missense variant. On other transcripts: 5 prime UTR variant (4), non-coding transcript variant (2).
Genome position (GRCh38, 1-based): chr5:112,775,679, A>G. VCF-style: chr5-112775679-A-G. GRCh37 (hg19) VCF-style: chr5-112111376-A-G.
Other names: c.473A>G, p.Tyr158Cys (NM_001127510.3, NM_001354895.2, NM_001354896.2 and 16 more transcripts); c.503A>G, p.Tyr168Cys (NM_001127511.3, NM_001354897.2, NM_001354902.2 and 1 more transcripts); c.398A>G, p.Tyr133Cys (NM_001354898.2, NM_001354904.2, NM_001407451.1); c.296A>G, p.Tyr99Cys (NM_001354900.2, NM_001354901.2, NM_001354905.2 and 1 more transcripts); c.-563A>G (NM_001354906.2, NM_001407470.1, NM_001407471.1 and 1 more transcripts); short protein forms Y158C, Y168C, Y133C, Y99C.
Identifiers: ClinVar variation 3304701 (VCV003304701.2).
Genomic context (GRCh38, chr5:112,775,679, plus strand): 5'-AAAAAAATAGGTCATTGCTTCTTGCTGATCTTGACAAAGAAGAAAAGGAAAAAGACTGGT[A>G]TTACGCTCAACTTCAGAATCTCACTAAAAGAATAGATAGTCTTCCTTTAACTGAAAATGT-3'
Protein context (NP_000029.2, residues 148-168): LDKEEKEKDW[Tyr158Cys]YAQLQNLTKR